The following is an entry in ClinVar:

NM_144966.5(FREM1):c.*1700T>C

Gene: FREM1 (FRAS1 related extracellular matrix 1; minus strand). Cytogenetic location: 9p22.3.
Variant type: single nucleotide variant.
Coding change: c.*1700T>C on transcript NM_144966.5; 1700 bases downstream of the stop codon, T replaced by C.
Genome position (GRCh38, 1-based): chr9:14,735,696, A>G on the plus strand (T>C on the coding strand, the complement: FREM1 is on the minus strand). VCF-style: chr9-14735696-A-G. GRCh37 (hg19) VCF-style: chr9-14735694-A-G.
Identifiers: ClinVar variation 366071 (VCV000366071.8), dbSNP rs1494343, ClinGen allele CA10633404.

ClinVar aggregate classification (germline): Benign. Review status: criteria provided, multiple submitters, no conflicts (2 of 4 stars). 2 submissions from 2 submitters: Benign (2). Last evaluated 2018-01-12.

Conditions:
Oculotrichoanal syndrome (MOTA). Also called: MARLES SYNDROME; Manitoba Oculotrichoanal (MOTA) Syndrome. Identifiers: Orphanet 2717, MedGen C1855425, MONDO:0009560, OMIM 248450.

Allele frequency attached by ClinVar (database versions not stated): gnomAD 0.72448 and 0.72520; gnomAD exomes 1.00000; TOPMed 0.73125; 1000 Genomes Project 0.72304; 1000 Genomes Project 30x 0.72626.

Submissions (2):

Illumina Laboratory Services, Illumina
Classification: Benign for Oculotrichoanal syndrome. Last evaluated: 2018-01-12. Review status: criteria provided, single submitter. Criteria: ICSL Variant Classification Criteria 13 December 2019. Collection method: clinical testing. Allele origin: germline.
Comment: This variant was observed in the ICSL laboratory as part of a predisposition screen in an ostensibly healthy population. It had not been previously curated by ICSL or reported in the Human Gene Mutation Database (HGMD: prior to June 1st, 2018), and was therefore a candidate for classification through an automated scoring system. Utilizing variant allele frequency, disease prevalence and penetrance estimates, and inheritance mode, an automated score was calculated to assess if this variant is too frequent to cause the disease. Based on the score and internal cut-off values, a variant classified as benign is not then subjected to further curation. The score for this variant resulted in a classification of benign for this disease.

Breakthrough Genomics
Classification: Benign. Review status: criteria provided, single submitter. Criteria: ACMG Guidelines, 2015. Collection method: not provided. Allele origin: germline. Inheritance: Autosomal recessive inheritance. Affected: yes.